The following is an entry in ClinVar:

ClinVar aggregate classification (germline): Uncertain significance (1 of 4 stars; one submission).

Conditions:
Inborn genetic diseases. Identifiers: MedGen C0950123, MeSH D030342.

Submission:

Ambry Genetics
Classification: Uncertain significance for Inborn genetic diseases. Last evaluated: 2026-02-25. Review status: criteria provided, single submitter. Criteria: Ambry Variant Classification Scheme 2023. Collection method: clinical testing. Allele origin: germline.
Comment: The p.G70A variant (also known as c.209G>C), located in coding exon 2 of the PAX5 gene, results from a G to C substitution at nucleotide position 209. The glycine at codon 70 is replaced by alanine, an amino acid with similar properties. This amino acid position is conserved. In addition, this alteration is predicted to be deleterious by in silico analysis. Based on the available evidence, the clinical significance of this variant remains unclear.

NM_016734.3(PAX5):c.209G>C (p.Gly70Ala)

Gene: PAX5 (paired box 5; minus strand). Cytogenetic location: 9p13.2.
Variant type: single nucleotide variant.
Coding change: c.209G>C on transcript NM_016734.3 (MANE Select); coding-DNA position 209, G replaced by C.
Protein change: p.Gly70Ala; replaces glycine 70 with alanine.
Molecular consequence: missense variant. On other transcripts: non-coding transcript variant (2), intron variant (2).
Genome position (GRCh38, 1-based): chr9:37,020,639, C>G on the plus strand (G>C on the coding strand, the complement: PAX5 is on the minus strand). VCF-style: chr9-37020639-C-G. GRCh37 (hg19) VCF-style: chr9-37020636-C-G.
Other names: c.209G>C, p.Gly70Ala (NM_001280554.2, NM_001280555.2, NM_001280547.2 and 5 more transcripts); c.-112-5445G>C (NM_001280551.2, NM_001280556.2); short protein forms G70A.
Identifiers: ClinVar variation 4827565 (VCV004827565.1).
Genomic context (GRCh38, chr9:37,020,639, plus strand): 5'-TCATGTTTTAGGTCTTTATTTGAAAGATCAAGGGAAGCCTCGAGCTACTGCCTTTACCTG[C>G]CAAGAATTTTGCTGACACAACCATGGCTGACCCGAAGCTGCCTGGAGATGTCGCAGGGCC-3'
Protein context (NP_057953.1, residues 60-80): VSHGCVSKIL[Gly70Ala]RYYETGSIKP